The following is an entry in ClinVar:

ClinVar aggregate classification (germline): Pathogenic (1 of 4 stars; one submission).

Conditions:
KBG syndrome (KBGS). Also called: ANKRD11-Related KBG Syndrome. Identifiers: Orphanet 2332, MedGen C0220687, MONDO:0007846, OMIM 148050.

Submission:

Key Laboratory of Endocrinology, Affiliated Hospital of Jining Medical University
Classification: Pathogenic for KBG syndrome. Review status: criteria provided, single submitter. Criteria: ACMG Guidelines, 2015. Collection method: clinical testing. Allele origin: germline. Inheritance: Autosomal dominant inheritance. Affected: yes. Observed: 1 heterozygote.
Comment: The Y761fs variant in the ANKRD11 gene has not been reported previously, to our knowledge. This variant is predicted to cause loss of normal protein function either through protein truncation or nonsense-mediated mRNA decay. The Y761fs variant is not observed in public database, and cosegregates with cKBG syndrome phenotypes. We interpret Y761X as a pathogenic variant.

NM_013275.6(ANKRD11):c.2280_2281del (p.Tyr761fs)

Gene: ANKRD11 (ankyrin repeat domain 11; minus strand). Cytogenetic location: 16q24.3.
Variant type: Deletion.
Coding change: c.2280_2281del on transcript NM_013275.6 (MANE Select); coding-DNA positions 2280 to 2281, 2 bases deleted (GT; older notation c.2280_2281delGT).
Protein change: p.Tyr761fs; shifts the reading frame from tyrosine 761.
Molecular consequence: frameshift variant.
Genome position (GRCh38, 1-based): chr16:89,284,261-89,284,262, AC deleted on the plus strand (GT on the coding strand, the reverse complement: ANKRD11 is on the minus strand); deleting any 2 consecutive bases within chr16:89,284,261-89,284,263 gives the same sequence; the c. name uses the placement nearest the transcript's 3' end. VCF-style (leftmost placement, unchanged base first): chr16-89284260-TAC-T. GRCh37 (hg19) VCF-style: chr16-89350668-TAC-T.
Other names: c.2280_2281del, p.Tyr761fs (NM_001256182.2, NM_001256183.2); short protein forms Y761fs.
Identifiers: ClinVar variation 2674640 (VCV002674640.2), dbSNP rs2544241828, ClinGen allele CA2741808830.